The following is an entry in ClinVar:

NM_020928.2(ZSWIM6):c.1349G>A (p.Cys450Tyr)

Gene: ZSWIM6 (zinc finger SWIM-type containing 6; plus strand). Cytogenetic location: 5q12.1.
Variant type: single nucleotide variant.
Coding change: c.1349G>A on transcript NM_020928.2 (MANE Select); coding-DNA position 1349, G replaced by A.
Protein change: p.Cys450Tyr; replaces cysteine 450 with tyrosine.
Molecular consequence: missense variant.
Genome position (GRCh38, 1-based): chr5:61,521,278, G>A. VCF-style: chr5-61521278-G-A. GRCh37 (hg19) VCF-style: chr5-60817105-G-A.
Other names: short protein forms C450Y.
Identifiers: ClinVar variation 4740799 (VCV004740799.1).

ClinVar aggregate classification (germline): Uncertain significance (1 of 4 stars; one submission).

Submission:

Labcorp Genetics (formerly Invitae), Labcorp
Classification: Uncertain significance. Last evaluated: 2025-07-21. Review status: criteria provided, single submitter. Criteria: Invitae Variant Classification Sherloc (09022015). Collection method: clinical testing. Allele origin: germline.
Comment: This sequence change replaces cysteine, which is neutral and slightly polar, with tyrosine, which is neutral and polar, at codon 450 of the ZSWIM6 protein (p.Cys450Tyr). This variant is not present in population databases (gnomAD no frequency). This variant has not been reported in the literature in individuals affected with ZSWIM6-related conditions. Invitae Evidence Modeling of protein sequence and biophysical properties (such as structural, functional, and spatial information, amino acid conservation, physicochemical variation, residue mobility, and thermodynamic stability) indicates that this missense variant is not expected to disrupt ZSWIM6 protein function with a negative predictive value of 80%. In summary, the available evidence is currently insufficient to determine the role of this variant in disease. Therefore, it has been classified as a Variant of Uncertain Significance.